The following is an entry in ClinVar:

NM_138387.4(G6PC3):c.773C>T (p.Ala258Val)

Gene: G6PC3 (glucose-6-phosphatase catalytic subunit 3; plus strand). Cytogenetic location: 17q21.31.
Variant type: single nucleotide variant.
Coding change: c.773C>T on transcript NM_138387.4 (MANE Select); coding-DNA position 773, C replaced by T.
Protein change: p.Ala258Val; replaces alanine 258 with valine.
Molecular consequence: missense variant. On other transcripts: 3 prime UTR variant (1).
Genome position (GRCh38, 1-based): chr17:44,075,775, C>T. VCF-style: chr17-44075775-C-T. GRCh37 (hg19) VCF-style: chr17-42153143-C-T.
Other names: c.*66C>T (NM_001319945.2); c.428C>T, p.Ala143Val (NM_001384165.1, NM_001384166.1, NM_001384167.1 and 1 more transcripts); short protein forms A258V, A143V.
Identifiers: ClinVar variation 945536 (VCV000945536.9), dbSNP rs1016698344, ClinGen allele CA290850688.

ClinVar aggregate classification (germline): Uncertain significance (1 of 4 stars; one submission).

Conditions:
Autosomal recessive severe congenital neutropenia due to G6PC3 deficiency. Also called: G6PC3 Deficiency; NEUTROPENIA, SEVERE CONGENITAL, 4, AUTOSOMAL RECESSIVE. Identifiers: Orphanet 331176, MedGen C2751630, MONDO:0012930, OMIM 612541.

Allele frequency attached by ClinVar (database versions not stated): TOPMed 0.00001; gnomAD 0.00001.

Submission:

Labcorp Genetics (formerly Invitae), Labcorp
Classification: Uncertain significance for Autosomal recessive severe congenital neutropenia due to G6PC3 deficiency. Last evaluated: 2019-05-02. Review status: criteria provided, single submitter. Criteria: Invitae Variant Classification Sherloc (09022015). Collection method: clinical testing. Allele origin: germline.
Comment: This sequence change replaces alanine with valine at codon 258 of the G6PC3 protein (p.Ala258Val). The alanine residue is moderately conserved and there is a small physicochemical difference between alanine and valine. This variant is not present in population databases (ExAC no frequency). This variant has not been reported in the literature in individuals with G6PC3-related conditions. Algorithms developed to predict the effect of missense changes on protein structure and function (SIFT, PolyPhen-2, Align-GVGD) all suggest that this variant is likely to be tolerated, but these predictions have not been confirmed by published functional studies and their clinical significance is uncertain. In summary, the available evidence is currently insufficient to determine the role of this variant in disease. Therefore, it has been classified as a Variant of Uncertain Significance.